The following is an entry in ClinVar:

NM_000540.3(RYR1):c.8226C>T (p.Thr2742=)

Gene: RYR1 (ryanodine receptor 1; plus strand). Cytogenetic location: 19q13.2.
Variant type: single nucleotide variant.
Coding change: c.8226C>T on transcript NM_000540.3 (MANE Select); coding-DNA position 8226, C replaced by T.
Protein change: p.Thr2742=; no amino-acid change (threonine 2742 retained).
Molecular consequence: synonymous variant.
Genome position (GRCh38, 1-based): chr19:38,504,906, C>T. VCF-style: chr19-38504906-C-T. GRCh37 (hg19) VCF-style: chr19-38995546-C-T.
Other names: c.8226C>T, p.Thr2742= (NM_001042723.2).
Identifiers: ClinVar variation 696745 (VCV000696745.10), dbSNP rs1357579462, ClinGen allele CA507354303.

ClinVar aggregate classification (germline): Likely benign. Review status: criteria provided, multiple submitters, no conflicts (2 of 4 stars). 2 submissions from 2 submitters: Likely benign (2). Last evaluated 2026-01-26.

Conditions:
RYR1-related disorder. Also called: RYR1-related condition; RYR1-related disorders. Identifiers: MedGen CN239331.
Malignant hyperthermia, susceptibility to, 1 (MHS1). Also called: Anesthesia related hyperthermia; Malignant hyperpyrexia; Fulminating hyperpyrexia; Pharmacogenic myopathy; Malignant hyperthermia suceptibility 1; RYR1-Related Malignant Hyperthermia Susceptibility. Identifiers: Orphanet 423, MedGen C2930980, MONDO:0007783, OMIM 145600.

Allele frequency attached by ClinVar (database versions not stated): gnomAD exomes below 0.00001 and 0.00003; gnomAD 0.00002; TOPMed 0.00002.
gnomAD v4.1: 51 of 1,613,954 alleles (0.0032%); highest among the groups gnomAD compares: Non-Finnish European, 0.0042%; no homozygotes.

Submissions (2):

Labcorp Genetics (formerly Invitae), Labcorp
Classification: Likely benign for RYR1-related disorder. Last evaluated: 2026-01-26. Review status: criteria provided, single submitter. Criteria: Invitae Variant Classification Sherloc (09022015). Collection method: clinical testing. Allele origin: germline.

All of Us Research Program, National Institutes of Health
Classification: Likely benign for Malignant hyperthermia, susceptibility to, 1. Last evaluated: 2023-11-02. Review status: criteria provided, single submitter. Criteria: ACMG Guidelines, 2015. Collection method: clinical testing. Allele origin: germline. Inheritance: Autosomal dominant inheritance. Observed: 6 variant alleles, 6 heterozygotes.
Comment: This study involves interpretation of variants in research participants for the purpose of population health screening. Participant phenotype was not available at the time of variant classification. Additional details can be found in publication PMID: 35346344, PMCID: PMC8962531